The following is an entry in ClinVar:

ClinVar aggregate classification (germline): Uncertain significance (1 of 4 stars; one submission).

Submission:

Ambry Genetics
Classification: Uncertain significance. Last evaluated: 2023-07-27. Review status: criteria provided, single submitter. Criteria: Ambry Variant Classification Scheme 2023. Collection method: clinical testing. Allele origin: germline.
Comment: The p.Y449H variant (also known as c.1345T>C), located in coding exon 3 of the ALPK2 gene, results from a T to C substitution at nucleotide position 1345. The tyrosine at codon 449 is replaced by histidine, an amino acid with similar properties. This amino acid position is conserved. In addition, this alteration is predicted to be tolerated by in silico analysis. Since supporting evidence is limited at this time, the clinical significance of this alteration remains unclear.

NM_052947.4(ALPK2):c.1345T>C (p.Tyr449His)

Gene: ALPK2 (alpha kinase 2; minus strand). Cytogenetic location: 18q21.31.
Variant type: single nucleotide variant.
Coding change: c.1345T>C on transcript NM_052947.4 (MANE Select); coding-DNA position 1345, T replaced by C.
Protein change: p.Tyr449His; replaces tyrosine 449 with histidine.
Molecular consequence: missense variant.
Genome position (GRCh38, 1-based): chr18:58,579,431, A>G on the plus strand (T>C on the coding strand, the complement: ALPK2 is on the minus strand). VCF-style: chr18-58579431-A-G. GRCh37 (hg19) VCF-style: chr18-56246663-A-G.
Other names: short protein forms Y449H.
Identifiers: ClinVar variation 2624498 (VCV002624498.2), dbSNP rs2518899107, ClinGen allele CA402563424.